The following is an entry in ClinVar:

ClinVar aggregate classification (germline): Pathogenic (1 of 4 stars; one submission).

Conditions:
Peroxisome biogenesis disorder, complementation group 7 (CG7). Also called: Peroxisome biogenesis disorder, complementation group B. Identifiers: MedGen C1864399.

Submission:

Labcorp Genetics (formerly Invitae), Labcorp
Classification: Pathogenic for Peroxisome biogenesis disorder, complementation group 7. Last evaluated: 2023-10-09. Review status: criteria provided, single submitter. Criteria: Invitae Variant Classification Sherloc (09022015). Collection method: clinical testing. Allele origin: germline.
Comment: This sequence change creates a premature translational stop signal (p.Trp320*) in the PEX10 gene. While this is not anticipated to result in nonsense mediated decay, it is expected to disrupt the last 27 amino acid(s) of the PEX10 protein. This variant is not present in population databases (gnomAD no frequency). This variant has not been reported in the literature in individuals affected with PEX10-related conditions. This variant disrupts a region of the PEX10 protein in which other variant(s) (p.Arg331Gln) have been determined to be pathogenic (PMID: 20695019, 27230853). This suggests that this is a clinically significant region of the protein, and that variants that disrupt it are likely to be disease-causing. For these reasons, this variant has been classified as Pathogenic.

Literature cited by the submitters: PubMed 20695019; PubMed 27230853.

NM_002617.4(PEX10):c.899G>A (p.Trp300Ter)

Gene: PEX10 (peroxisomal biogenesis factor 10; minus strand). Cytogenetic location: 1p36.32.
Variant type: single nucleotide variant.
Coding change: c.899G>A on transcript NM_002617.4 (MANE Select); coding-DNA position 899, G replaced by A.
Protein change: p.Trp300Ter; replaces tryptophan 300 with a stop codon.
Molecular consequence: nonsense. On other transcripts: non-coding transcript variant (1).
Genome position (GRCh38, 1-based): chr1:2,406,497, C>T on the plus strand (G>A on the coding strand, the complement: PEX10 is on the minus strand). VCF-style: chr1-2406497-C-T. GRCh37 (hg19) VCF-style: chr1-2337936-C-T.
Other names: c.956G>A, p.Trp319Ter (NM_001374425.1); c.524G>A, p.Trp175Ter (NM_001374426.1); c.467G>A, p.Trp156Ter (NM_001374427.1); c.959G>A, p.Trp320Ter (NM_153818.2); short protein forms W156*, W175*, W319*, W320*, W300*.
Identifiers: ClinVar variation 2781765 (VCV002781765.3), dbSNP rs1643006514, ClinGen allele CA337984078.